The following is an entry in ClinVar:

ClinVar aggregate classification (germline): Conflicting classifications of pathogenicity. Review status: criteria provided, conflicting classifications (1 of 4 stars). 8 submissions from 8 submitters: Uncertain significance (1); Likely benign (6). 1 of the submissions does not count toward it. Last evaluated 2025-09-27.

Conditions:
Hereditary cancer-predisposing syndrome. Also called: Hereditary Cancer Syndrome; Hereditary neoplastic syndrome; Neoplastic Syndromes, Hereditary; Tumor predisposition. Identifiers: Orphanet 140162, MedGen C0027672, MeSH D009386, MONDO:0015356.
Breast-ovarian cancer, familial, susceptibility to, 1 (BROVCA1). Also called: BRCA1 Hereditary Breast and Ovarian Cancer; OVARIAN CANCER, SUSCEPTIBILITY TO. Identifiers: Orphanet 145, MedGen C2676676, MONDO:0011450, OMIM 604370. Disease mechanism: loss of function.
Hereditary breast ovarian cancer syndrome. Also called: BRCA1- and BRCA2-Associated Hereditary Breast and Ovarian Cancer; Hereditary breast and ovarian cancer syndrome; Hereditary breast and ovarian cancer syndrome (HBOC); Breast and ovarian cancer; Hereditary breast and/or ovarian cancer syndrome; Hereditary breast and ovarian cancer. Identifiers: Orphanet 145, MedGen C0677776, MeSH D061325, MONDO:0003582. Disease mechanism: loss of function.

Allele frequency attached by ClinVar (database versions not stated): gnomAD exomes 0.00001; gnomAD 0.00002 and 0.00001; TOPMed 0.00002; ExAC 0.00002.
gnomAD v4.1: 15 of 1,613,996 alleles (0.00093%); highest among the groups gnomAD compares: Admixed American, 0.0083%; no homozygotes.

Submissions (9):

Labcorp Genetics (formerly Invitae), Labcorp
Classification: Likely benign for Hereditary breast ovarian cancer syndrome. Last evaluated: 2025-09-27. Review status: criteria provided, single submitter. Criteria: Invitae Variant Classification Sherloc (09022015). Collection method: clinical testing. Allele origin: germline.

Quest Diagnostics Nichols Institute San Juan Capistrano
Classification: Likely benign. Last evaluated: 2025-08-21. Review status: criteria provided, single submitter. Criteria: Quest Diagnostics criteria. Collection method: clinical testing. Allele origin: unknown.

Women's Health and Genetics/Laboratory Corporation of America, LabCorp
Classification: Likely benign. Last evaluated: 2025-05-09. Review status: criteria provided, single submitter. Criteria: LabCorp Variant Classification Summary - May 2015. Collection method: clinical testing. Allele origin: germline.
Comment: Variant summary: BRCA1 c.5416C>G (p.Pro1806Ala) results in a non-conservative amino acid change located in the BRCT domain (IPR001357) of the encoded protein sequence. Algorithms developed to predict the effect of missense changes on protein structure and function are either unavailable or do not agree on the potential impact of this missense change. The variant allele was found at a frequency of 1.2e-05 in 251484 control chromosomes. The available data on variant occurrences in the general population are insufficient to allow any conclusion about variant significance. c.5416C>G has been reported in the literature in an individual affected with Hereditary Breast and Ovarian Cancer (Shattuck-Eidens_1997). This report does not provide unequivocal conclusions about association of the variant with Hereditary Breast and Ovarian Cancer. Various functional studies carried out to assess a number of different properties of the variant protein including, transcriptional activity, protein folding, phosphopeptide-binding and thermodynamic stability, all demonstrated the variant to cause no defect and be similar to the wild-type (Carvalho_2007, Coyne_2004, Hayes_2000, Lee_2010, Rowling_2010). The following publications have been ascertained in the context of this evaluation (PMID: 17308087, 15004537, 30765603, 10811118, 20516115, 20378548, 9333265). ClinVar contains an entry for this variant (Variation ID: 55570). Based on the evidence outlined above, the variant was classified as likely benign.

Color Diagnostics, LLC DBA Color Health
Classification: Likely benign for Hereditary cancer-predisposing syndrome. Last evaluated: 2025-01-07. Review status: criteria provided, single submitter. Criteria: ACMG Guidelines, 2015. Collection method: clinical testing. Allele origin: germline.

Molecular Diagnostics Laboratory, Catalan Institute of Oncology
Classification: Likely benign for Hereditary cancer-predisposing syndrome. Last evaluated: 2024-12-11. Review status: criteria provided, single submitter. Criteria: ClinGen BRCA1BRCA2 ACMG Specifications BRCA1 V1.0.0. Collection method: clinical testing. Allele origin: germline.
Comment: BS3, BP4 c.5416C>G, located in exon 22 (23 according to BIC nomenclature) of the BRCA1 gene, is predicted to result in the substitution of proline by alanine at codon 1806, p.(Pro1806Ala). This position affects a (potentially) clinically important functional domain and, moreover, the SpliceAI algorithm predicts no significant impact on splicing (BP4). This variant is found in 3/236948 alleles at a frequency of 0.001% in the gnomAD v2.1.1 database, non-cancer dataset. Reported by two calibrated studies to affect protein function similar to benign control variants (PMIDs:30209399, 30765603) (BS3). In a case-control study, this variant was present in 1 out of 53461 healthy controls and none of 60466 breast cancer patients (PMID: 33471991). This variant has been reported in the ClinVar database (4x likely benign, 2x uncertain significance), in the LOVD (6x unclassified) and in BRCA Exchange database (not yet classified by the expert panel). Based on currently available information, the variant c.5416C>G should be considered a likely benign variant, according to ClinGen ENIGMA BRCA1 and BRCA2 Expert Panel Specifications to the ACMG/AMP Variant Interpretation Guidelines for BRCA1 Version 1.0.0.

All of Us Research Program, National Institutes of Health
Classification: Uncertain significance for Breast-ovarian cancer, familial, susceptibility to, 1. Last evaluated: 2024-01-11. Review status: criteria provided, single submitter. Criteria: ACMG Guidelines, 2015. Collection method: clinical testing. Allele origin: germline. Inheritance: Autosomal dominant inheritance. Observed: 3 variant alleles, 3 heterozygotes.
Comment: This missense variant replaces proline with alanine at codon 1806 of the BRCA1 protein. Computational prediction suggests that this variant may not impact protein structure and function (internally defined REVEL score threshold <= 0.5, PMID: 27666373). Functional studies have reported that this variant does not impact BRCA1 activity in a haploid cell proliferation assay, transcription activation assays, and in protease sensitivity and phospho-peptide binding assays (PMID: 10811118, 15172985, 17308087, 20516115, 30209399). This variant has been detected in a breast cancer case-control meta-analysis in 0/60466 cases and 1/53461 unaffected individuals (PMID: 33471991; Leiden Open Variation Database DB-ID BRCA1_000472). This variant has been identified in 3/251484 chromosomes in the general population by the Genome Aggregation Database (gnomAD). Although there is a suspicion that this variant may not be associated with disease, additional clinical studies are necessary to determine the role of this variant in disease conclusively. Therefore, this variant is classified as a Variant of Uncertain Significance.

This study involves interpretation of variants in research participants for the purpose of population health screening. Participant phenotype was not available at the time of variant classification. Additional details can be found in publication PMID: 35346344, PMCID: PMC8962531

Ambry Genetics
Classification: Likely benign for Hereditary cancer-predisposing syndrome. Last evaluated: 2018-03-14. Review status: criteria provided, single submitter. Criteria: Ambry Variant Classification Scheme 2023. Collection method: clinical testing. Allele origin: germline.

Breast Cancer Information Core (BIC) (BRCA1)
Classification: Uncertain significance for Breast-ovarian cancer, familial 1. Last evaluated: 1997-11-14. Review status: no assertion criteria provided. Collection method: clinical testing. Allele origin: germline. Affected: yes. Observed: 3 variant alleles. Not counted in ClinVar's aggregate classification.

Brotman Baty Institute, University of Washington
No classification provided (evidence only). Condition: Breast-ovarian cancer, familial 1. Review status: no classification provided. Collection method: in vitro. Allele origin: not applicable. Functional consequence: functionally_normal. Not counted in ClinVar's aggregate classification.
ClinVar note: "not provided" was previously submitted as the classification for the variant. However, the classification appeared to be based only on an observation of functional data so it was converted to no classification on 2025-07-30.

Literature cited by the submitters: PubMed 33471991 (cited by Quest Diagnostics Nichols Institute San Juan Capistrano and All of Us Research Program, National Institutes of Health); PubMed 30765603 (cited by Quest Diagnostics Nichols Institute San Juan Capistrano and Women's Health and Genetics/Laboratory Corporation of America, LabCorp); PubMed 30209399 (cited by Quest Diagnostics Nichols Institute San Juan Capistrano and All of Us Research Program, National Institutes of Health); PubMed 9333265 (cited by Quest Diagnostics Nichols Institute San Juan Capistrano and Women's Health and Genetics/Laboratory Corporation of America, LabCorp); PubMed 17308087 (cited by 4 submitters); PubMed 20516115 (cited by 4 submitters); PubMed 10811118 (cited by 4 submitters); PubMed 20378548 (cited by 3 submitters); PubMed 17305420 (cited by Quest Diagnostics Nichols Institute San Juan Capistrano); PubMed 15004537 (cited by Quest Diagnostics Nichols Institute San Juan Capistrano and Women's Health and Genetics/Laboratory Corporation of America, LabCorp); PubMed 15172985 (cited by Quest Diagnostics Nichols Institute San Juan Capistrano and All of Us Research Program, National Institutes of Health).

NM_007294.4(BRCA1):c.5416C>G (p.Pro1806Ala)

Gene: BRCA1 (BRCA1 DNA repair associated; minus strand). Cytogenetic location: 17q21.31.
Variant type: single nucleotide variant.
Coding change: c.5416C>G on transcript NM_007294.4 (MANE Select); coding-DNA position 5416, C replaced by G.
Protein change: p.Pro1806Ala; replaces proline 1806 with alanine.
Molecular consequence: missense variant. On other transcripts: non-coding transcript variant (1).
Genome position (GRCh38, 1-based): chr17:43,047,694, G>C on the plus strand (C>G on the coding strand, the complement: BRCA1 is on the minus strand). VCF-style: chr17-43047694-G-C. GRCh37 (hg19) VCF-style: chr17-41199711-G-C.
Other names: c.5416C>G, p.Pro1806Ala (NM_001407596.1, NM_001407597.1, NM_001407598.1 and 5 more transcripts); c.5413C>G, p.Pro1805Ala (NM_001407610.1, NM_001407611.1, NM_001407612.1 and 14 more transcripts); c.5410C>G, p.Pro1804Ala (NM_001407627.1, NM_001407628.1, NM_001407629.1 and 13 more transcripts); c.5407C>G, p.Pro1803Ala (NM_001407644.1, NM_001407645.1); c.5404C>G, p.Pro1802Ala (NM_001407646.1); c.5401C>G, p.Pro1801Ala (NM_001407647.1); c.5359C>G, p.Pro1787Ala (NM_001407648.1); c.5356C>G, p.Pro1786Ala (NM_001407649.1); and 83 more; short protein forms P1806A, P1759A, P677R, P1827A, P702A, P1718A, P1734A, P1738R.
Identifiers: ClinVar variation 55570 (VCV000055570.30), dbSNP rs80357241, ClinGen allele CA003580.